The following is an entry in ClinVar:

ClinVar aggregate classification (germline): Uncertain significance (1 of 4 stars; one submission).

Submission:

GeneDx
Classification: Uncertain significance. Last evaluated: 2025-07-19. Review status: criteria provided, single submitter. Criteria: GeneDx Variant Classification Process June 2021. Collection method: clinical testing. Allele origin: germline. Affected: yes.
Comment: Not observed at significant frequency in large population cohorts (gnomAD); In silico analysis suggests that this missense variant does not alter protein structure/function; Has not been previously published as pathogenic or benign to our knowledge

NM_001083961.2(WDR62):c.3376G>T (p.Val1126Leu)

Gene: WDR62 (WD repeat domain 62; plus strand). Cytogenetic location: 19q13.12.
Variant type: single nucleotide variant.
Coding change: c.3376G>T on transcript NM_001083961.2 (MANE Select); coding-DNA position 3376, G replaced by T.
Protein change: p.Val1126Leu; replaces valine 1126 with leucine.
Molecular consequence: missense variant.
Genome position (GRCh38, 1-based): chr19:36,102,988, G>T. VCF-style: chr19-36102988-G-T. GRCh37 (hg19) VCF-style: chr19-36593890-G-T.
Other names: c.3361G>T, p.Val1121Leu (NM_001411145.1, NM_173636.5); c.3127G>T, p.Val1043Leu (NM_001411146.1); c.3025G>T, p.Val1009Leu (NM_001411147.1); short protein forms V1009L, V1043L, V1121L, V1126L.
Identifiers: ClinVar variation 4686509 (VCV004686509.1).